The following is an entry in ClinVar:

NM_001347721.2(DYRK1A):c.197dup (p.Thr67fs)

Gene: DYRK1A (dual specificity tyrosine phosphorylation regulated kinase 1A; plus strand). Cytogenetic location: 21q22.13.
Variant type: Duplication.
Coding change: c.197dup on transcript NM_001347721.2 (MANE Select); coding-DNA position 197, one base duplicated (T; older notation c.197dupT).
Protein change: p.Thr67fs; shifts the reading frame from threonine 67.
Molecular consequence: frameshift variant.
Genome position (GRCh38, 1-based): chr21:37,472,870, T duplicated. VCF-style (leftmost placement, unchanged base first): chr21-37472869-C-CT. GRCh37 (hg19) VCF-style: chr21-38845171-C-CT.
Other names: c.197dupT (NM_001396.3); c.197dup, p.Thr67fs (NM_001347722.2, NM_001396.5, NM_101395.2 and 2 more transcripts); c.110dup, p.Thr38fs (NM_001347723.2); short protein forms T38fs, T67fs.
Identifiers: ClinVar variation 2126938 (VCV002126938.8), dbSNP rs2517958091, ClinGen allele CA2580098692.

ClinVar aggregate classification (germline): Pathogenic. Review status: criteria provided, multiple submitters, no conflicts (2 of 4 stars). 3 submissions from 3 submitters: Pathogenic (3). Last evaluated 2024-10-10.

Conditions:
Inborn genetic diseases. Identifiers: MedGen C0950123, MeSH D030342.
DYRK1A-related intellectual disability syndrome (MRD7). Also called: DYRK1A Syndrome; Intellectual developmental disorder, autosomal dominant 7. Identifiers: Orphanet 464306, MedGen C5568143, MONDO:0013578, OMIM 614104.

Submissions (3):

Dasa
Classification: Pathogenic. Last evaluated: 2024-10-10. Review status: criteria provided, single submitter. Criteria: DASA Assertion Criteria. Collection method: clinical testing. Allele origin: germline.
Comment: NM_001347721.2(DYRK1A):c.197dup (p.Thr67Asnfs*2) is a frameshift variant in DYRK1A predicted to alter the reading frame and introduce a premature termination codon and is predicted to result in an absent or altered protein product. Loss of function is an established disease mechanism for DYRK1A (PMID: 22495309; PMID: 21294719; PMID: 25944381). This variant has been reported in individuals with DYRK1A-related disorders. Also, this variant is absent from population databases. Based on the currently available evidence, this variant is classified as pathogenic.

Ambry Genetics
Classification: Pathogenic for Inborn genetic diseases. Last evaluated: 2023-01-18. Review status: criteria provided, single submitter. Criteria: Ambry Variant Classification Scheme 2023. Collection method: clinical testing. Allele origin: germline.
Comment: The c.197dupT (p.T67Nfs*2) alteration, located in exon 2 (coding exon 2) of the DYRK1A gene, consists of a duplication of T at position 197, causing a translational frameshift with a predicted alternate stop codon after 2 amino acids. This alteration is expected to result in loss of function by premature protein truncation or nonsense-mediated mRNA decay. This variant was not reported in population-based cohorts in the Genome Aggregation Database (gnomAD). Based on the available evidence, this alteration is classified as pathogenic.

Labcorp Genetics (formerly Invitae), Labcorp
Classification: Pathogenic for DYRK1A-related intellectual disability syndrome. Last evaluated: 2022-04-16. Review status: criteria provided, single submitter. Criteria: Invitae Variant Classification Sherloc (09022015). Collection method: clinical testing. Allele origin: germline.
Comment: For these reasons, this variant has been classified as Pathogenic. This variant has not been reported in the literature in individuals affected with DYRK1A-related conditions. This variant is not present in population databases (gnomAD no frequency). This sequence change creates a premature translational stop signal (p.Thr67Asnfs*2) in the DYRK1A gene. It is expected to result in an absent or disrupted protein product. Loss-of-function variants in DYRK1A are known to be pathogenic (PMID: 25944381).

Literature cited by the submitters: PubMed 22495309 (cited by Dasa); PubMed 21294719 (cited by Dasa); PubMed 25944381 (cited by Dasa and Labcorp Genetics (formerly Invitae), Labcorp).